The following is an entry in ClinVar:

NM_000278.5(PAX2):c.481C>T (p.Pro161Ser)

Gene: PAX2 (paired box 2; plus strand). Cytogenetic location: 10q24.31.
Variant type: single nucleotide variant.
Coding change: c.481C>T on transcript NM_000278.5 (MANE Select); coding-DNA position 481, C replaced by T.
Protein change: p.Pro161Ser; replaces proline 161 with serine.
Molecular consequence: missense variant.
Genome position (GRCh38, 1-based): chr10:100,779,568, C>T. VCF-style: chr10-100779568-C-T. GRCh37 (hg19) VCF-style: chr10-102539325-C-T.
Other names: c.574C>T, p.Pro192Ser (NM_001304569.2); c.481C>T, p.Pro161Ser (NM_003987.5, NM_003988.5, NM_003989.5 and 1 more transcripts); short protein forms P192S, P161S.
Identifiers: ClinVar variation 3590007 (VCV003590007.3).
Genomic context (GRCh38, chr10:100,779,568, plus strand): 5'-ACCAAAGTTCAGCAGCCTTTCCACCCAACGCCGGATGGGGCTGGGACAGGAGTGACCGCC[C>T]CTGGCCACACCATTGGTAAGAGGGCTCAGGGAAGGGGAGGAAACCAGATCCCACCTAGAG-3'
Protein context (NP_000269.3, residues 151-171): PDGAGTGVTA[Pro161Ser]GHTIVPSTAS

ClinVar aggregate classification (germline): Uncertain significance. Review status: criteria provided, multiple submitters, no conflicts (2 of 4 stars). 2 submissions from 2 submitters: Uncertain significance (2). Last evaluated 2024-09-18.

Conditions:
Renal coloboma syndrome (PAPRS). Also called: COLOBOMA OF OPTIC NERVE WITH RENAL DISEASE; OPTIC COLOBOMA, VESICOURETERAL REFLUX, AND RENAL ANOMALIES; OPTIC NERVE COLOBOMA WITH RENAL DISEASE; PAPILLORENAL SYNDROME; RENAL-COLOBOMA SYNDROME WITH MACULAR ABNORMALITIES; PAPILLORENAL SYNDROME WITH MILD OCULAR ABNORMALITIES. Identifiers: Orphanet 1475, MedGen C1852759, MONDO:0007352, OMIM 120330.
Focal segmental glomerulosclerosis 7 (FSGS7). Identifiers: Orphanet 656, MedGen C4014925, MONDO:0014451, OMIM 616002.

gnomAD v4.1: 20 of 1,588,226 alleles (0.0013%); highest among the groups gnomAD compares: Non-Finnish European, 0.0013%; no homozygotes.

Submissions (2):

Labcorp Genetics (formerly Invitae), Labcorp
Classification: Uncertain significance for Renal coloboma syndrome; Focal segmental glomerulosclerosis 7. Last evaluated: 2024-09-18. Review status: criteria provided, single submitter. Criteria: Invitae Variant Classification Sherloc (09022015). Collection method: clinical testing. Allele origin: germline.
Comment: This sequence change replaces proline, which is neutral and non-polar, with serine, which is neutral and polar, at codon 161 of the PAX2 protein (p.Pro161Ser). The frequency data for this variant in the population databases is considered unreliable, as metrics indicate poor data quality at this position in the gnomAD database. This variant has not been reported in the literature in individuals affected with PAX2-related conditions. Experimental studies and prediction algorithms are not available or were not evaluated, and the functional significance of this variant is currently unknown. In summary, the available evidence is currently insufficient to determine the role of this variant in disease. Therefore, it has been classified as a Variant of Uncertain Significance.

Fulgent Genetics
Classification: Uncertain significance for Renal coloboma syndrome; Focal segmental glomerulosclerosis 7. Last evaluated: 2024-04-25. Review status: criteria provided, single submitter. Criteria: ACMG Guidelines, 2015. Collection method: clinical testing. Allele origin: germline.